The following is an entry in ClinVar:

ClinVar aggregate classification (germline): Uncertain significance (1 of 4 stars; one submission).

Conditions:
Cardiovascular phenotype. Identifiers: MedGen CN230736.

Allele frequency attached by ClinVar (database versions not stated): TOPMed 0.00001; gnomAD 0.00002.
gnomAD v4.1: 22 of 1,614,000 alleles (0.0014%); highest among the groups gnomAD compares: African/African-American, 0.0027%; no homozygotes.

Submission:

Ambry Genetics
Classification: Uncertain significance for Cardiovascular phenotype. Last evaluated: 2021-07-22. Review status: criteria provided, single submitter. Criteria: Ambry Variant Classification Scheme 2023. Collection method: clinical testing. Allele origin: germline.
Comment: The p.S2127G variant (also known as c.6379A>G), located in coding exon 47 of the ABCA1 gene, results from an A to G substitution at nucleotide position 6379. The serine at codon 2127 is replaced by glycine, an amino acid with similar properties. This amino acid position is conserved. In addition, this alteration is predicted to be deleterious by in silico analysis. Since supporting evidence is limited at this time, the clinical significance of this alteration remains unclear.

NM_005502.4(ABCA1):c.6379A>G (p.Ser2127Gly)

Genes: ABCA1 (ATP binding cassette subfamily A member 1; minus strand), NIPSNAP3B (nipsnap homolog 3B; plus strand). Cytogenetic location: 9q31.1.
Variant type: single nucleotide variant.
Coding change: c.6379A>G on transcript NM_005502.4 (MANE Select); coding-DNA position 6379, A replaced by G.
Protein change: p.Ser2127Gly; replaces serine 2127 with glycine.
Molecular consequence: missense variant.
Genome position (GRCh38, 1-based): chr9:104,786,320, T>C on the plus strand (A>G on the coding strand, the complement: ABCA1 is on the minus strand). VCF-style: chr9-104786320-T-C. GRCh37 (hg19) VCF-style: chr9-107548601-T-C.
Other names: short protein forms S2127G.
Identifiers: ClinVar variation 1753146 (VCV001753146.2), dbSNP rs1201534366, ClinGen allele CA374311926.
Genomic context (GRCh38, chr9:104,786,320, plus strand): 5'-CTCACTAGGCACTATCCCAAAGAAATTATCTTTATTACCTATTTTTTAGATGCTGGACAC[T>C]GCCAAGGCACCTGAACCTTCCATTGACCATGATTGCCATCCTAGTGCAAAGAGCTTCACA-3'
Protein context (NP_005493.2, residues 2117-2137): MVNGRFRCLG[Ser2127Gly]VQHLKNRFGD